The following is an entry in ClinVar:

NM_014520.4(MYBBP1A):c.3318G>A (p.Thr1106=)

Gene: MYBBP1A (MYB binding protein 1a; minus strand). Cytogenetic location: 17p13.2.
Variant type: single nucleotide variant.
Coding change: c.3318G>A on transcript NM_014520.4 (MANE Select); coding-DNA position 3318, G replaced by A.
Protein change: p.Thr1106=; no amino-acid change (threonine 1106 retained).
Molecular consequence: synonymous variant.
Genome position (GRCh38, 1-based): chr17:4,540,464, C>T on the plus strand (G>A on the coding strand, the complement: MYBBP1A is on the minus strand). VCF-style: chr17-4540464-C-T. GRCh37 (hg19) VCF-style: chr17-4443759-C-T.
Other names: c.3318G>A, p.Thr1106= (NM_001105538.2).
Identifiers: ClinVar variation 4084608 (VCV004084608.8).

ClinVar aggregate classification (germline): Likely benign (1 of 4 stars; one submission).

gnomAD v4.1: 16 of 1,609,982 alleles (0.00099%); highest among the groups gnomAD compares: Middle Eastern, 0.017%; no homozygotes.

Submission:

CeGaT Center for Human Genetics Tuebingen
Classification: Likely benign. Last evaluated: 2025-08-01. Review status: criteria provided, single submitter. Criteria: CeGaT Center For Human Genetics Tuebingen Variant Classification Criteria Version 2. Collection method: clinical testing. Allele origin: germline. Affected: yes. Observed: 1 variant allele.
Comment: MYBBP1A: BP4, BP7